The following is an entry in ClinVar:

NM_006343.3(MERTK):c.2164C>G (p.Arg722Gly)

Gene: MERTK (MER proto-oncogene, tyrosine kinase; plus strand). Cytogenetic location: 2q13.
Variant type: single nucleotide variant.
Coding change: c.2164C>G on transcript NM_006343.3 (MANE Select); coding-DNA position 2164, C replaced by G.
Protein change: p.Arg722Gly; replaces arginine 722 with glycine.
Molecular consequence: missense variant.
Genome position (GRCh38, 1-based): chr2:112,019,497, C>G. VCF-style: chr2-112019497-C-G. GRCh37 (hg19) VCF-style: chr2-112777074-C-G.
Other names: short protein forms R722G.
Identifiers: ClinVar variation 866123 (VCV000866123.8), dbSNP rs541717028, ClinGen allele CA348236877.

ClinVar aggregate classification (germline): Conflicting classifications of pathogenicity. Review status: criteria provided, conflicting classifications (1 of 4 stars). 2 submissions from 2 submitters: Likely pathogenic (1); Uncertain significance (1). Last evaluated 2022-08-06.

Conditions:
MERTK-related disorder. Also called: MERTK-related condition.

Submissions (2):

Labcorp Genetics (formerly Invitae), Labcorp
Classification: Uncertain significance. Last evaluated: 2022-08-06. Review status: criteria provided, single submitter. Criteria: Invitae Variant Classification Sherloc (09022015). Collection method: clinical testing. Allele origin: germline.
Comment: This variant has not been reported in the literature in individuals affected with MERTK-related conditions. ClinVar contains an entry for this variant (Variation ID: 866123). Algorithms developed to predict the effect of missense changes on protein structure and function (SIFT, PolyPhen-2, Align-GVGD) all suggest that this variant is likely to be disruptive. In summary, the available evidence is currently insufficient to determine the role of this variant in disease. Therefore, it has been classified as a Variant of Uncertain Significance. This variant is not present in population databases (gnomAD no frequency). This sequence change replaces arginine, which is basic and polar, with glycine, which is neutral and non-polar, at codon 722 of the MERTK protein (p.Arg722Gly).

Blueprint Genetics
Classification: Likely pathogenic for MERTK-related disorders. Last evaluated: 2018-04-27. Review status: criteria provided, single submitter. Criteria: ACMG Guidelines, 2015. Collection method: clinical testing. Allele origin: germline. Affected: yes. Observed: 1 variant allele.